The following is an entry in ClinVar:

NM_021098.3(CACNA1H):c.6067T>G (p.Ser2023Ala)

Gene: CACNA1H (calcium voltage-gated channel subunit alpha1 H; plus strand). Cytogenetic location: 16p13.3.
Variant type: single nucleotide variant.
Coding change: c.6067T>G on transcript NM_021098.3 (MANE Select); coding-DNA position 6067, T replaced by G.
Protein change: p.Ser2023Ala; replaces serine 2023 with alanine.
Molecular consequence: missense variant.
Genome position (GRCh38, 1-based): chr16:1,219,999, T>G. VCF-style: chr16-1219999-T-G. GRCh37 (hg19) VCF-style: chr16-1269999-T-G.
Other names: c.6049T>G, p.Ser2017Ala (NM_001005407.2); short protein forms S2023A, S2017A.
Identifiers: ClinVar variation 2935798 (VCV002935798.4), dbSNP rs2548733756, ClinGen allele CA394149008.

ClinVar aggregate classification (germline): Uncertain significance. Review status: criteria provided, multiple submitters, no conflicts (2 of 4 stars). 2 submissions from 2 submitters: Uncertain significance (2). Last evaluated 2023-05-15.

Conditions:
Idiopathic generalized epilepsy. Also called: Generalised epilepsy; EIG. Identifiers: MedGen C0270850, MONDO:0005579, OMIM 600669.
Hyperaldosteronism, familial, type IV (HALD4). Also called: FH IV; ALDOSTERONISM, PRIMARY, AND HYPERTENSION. Identifiers: Orphanet 642671, MedGen C4310756, MONDO:0014875, OMIM 617027.

Allele frequency attached by ClinVar (database versions not stated): gnomAD exomes below 0.00001.
gnomAD v4.1: 1 of 1,345,950 alleles (0.000074%); highest among the groups gnomAD compares: Non-Finnish European, 0.000096%; no homozygotes.

Submissions (2):

Labcorp Genetics (formerly Invitae), Labcorp
Classification: Uncertain significance for Idiopathic generalized epilepsy; Hyperaldosteronism, familial, type IV. Last evaluated: 2023-05-15. Review status: criteria provided, single submitter. Criteria: Invitae Variant Classification Sherloc (09022015). Collection method: clinical testing. Allele origin: germline.
Comment: Advanced modeling of protein sequence and biophysical properties (such as structural, functional, and spatial information, amino acid conservation, physicochemical variation, residue mobility, and thermodynamic stability) performed at Invitae indicates that this missense variant is not expected to disrupt CACNA1H protein function. This variant has not been reported in the literature in individuals affected with CACNA1H-related conditions. This variant is not present in population databases (gnomAD no frequency). This sequence change replaces serine, which is neutral and polar, with alanine, which is neutral and non-polar, at codon 2023 of the CACNA1H protein (p.Ser2023Ala). In summary, the available evidence is currently insufficient to determine the role of this variant in disease. Therefore, it has been classified as a Variant of Uncertain Significance.

Blueprint Genetics
Classification: Uncertain significance. Last evaluated: 2022-04-09. Review status: criteria provided, single submitter. Criteria: ACMG Guidelines, 2015. Collection method: clinical testing. Allele origin: germline.